The following is an entry in ClinVar:

ClinVar aggregate classification (germline): Uncertain significance (1 of 4 stars; one submission).

Conditions:
Anauxetic dysplasia. Identifiers: Orphanet 93347, MedGen C1846796, MONDO:0011773.

Allele frequency attached by ClinVar (database versions not stated): 1000 Genomes Project 30x 0.00031.

Submission:

Labcorp Genetics (formerly Invitae), Labcorp
Classification: Uncertain significance for Anauxetic dysplasia. Last evaluated: 2022-08-16. Review status: criteria provided, single submitter. Criteria: Invitae Variant Classification Sherloc (09022015). Collection method: clinical testing. Allele origin: germline.
Comment: This variant occurs in the RMRP gene, which encodes an RNA molecule that does not result in a protein product. This variant is not present in population databases (gnomAD no frequency). This variant has not been reported in the literature in individuals affected with RMRP-related conditions. Experimental studies and prediction algorithms are not available or were not evaluated, and the functional significance of this variant is currently unknown. In summary, the available evidence is currently insufficient to determine the role of this variant in disease. Therefore, it has been classified as a Variant of Uncertain Significance.

NC_000009.12:g.35658072A>G

Gene: RMRP (RNA component of mitochondrial RNA processing endoribonuclease; minus strand). Cytogenetic location: 9p13.3.
Variant type: single nucleotide variant.
Genome position: GRCh38 VCF-style: chr9-35658072-A-G. GRCh37 (hg19) VCF-style: chr9-35658069-A-G.
Identifiers: ClinVar variation 1024314 (VCV001024314.2), dbSNP rs181777676, ClinGen allele CA192745793.